The following is an entry in ClinVar:

NM_005633.4(SOS1):c.938G>C (p.Ser313Thr)

Gene: SOS1 (SOS Ras/Rac guanine nucleotide exchange factor 1; minus strand). Cytogenetic location: 2p22.1.
Variant type: single nucleotide variant.
Coding change: c.938G>C on transcript NM_005633.4 (MANE Select); coding-DNA position 938, G replaced by C.
Protein change: p.Ser313Thr; replaces serine 313 with threonine.
Molecular consequence: missense variant.
Genome position (GRCh38, 1-based): chr2:39,035,427, C>G on the plus strand (G>C on the coding strand, the complement: SOS1 is on the minus strand). VCF-style: chr2-39035427-C-G. GRCh37 (hg19) VCF-style: chr2-39262568-C-G.
Other names: c.917G>C, p.Ser306Thr (NM_001382394.1); c.938G>C, p.Ser313Thr (NM_001382395.1); short protein forms S313T, S306T.
Identifiers: ClinVar variation 3697524 (VCV003697524.2).

ClinVar aggregate classification (germline): Uncertain significance (1 of 4 stars; one submission).

Conditions:
RASopathy. Also called: rasopathies; Noonan spectrum disorder. Identifiers: Orphanet 536391, MedGen C5555857, MONDO:0021060.

Submission:

Labcorp Genetics (formerly Invitae), Labcorp
Classification: Uncertain significance for RASopathy. Last evaluated: 2024-05-13. Review status: criteria provided, single submitter. Criteria: Invitae Variant Classification Sherloc (09022015). Collection method: clinical testing. Allele origin: germline.
Comment: This sequence change replaces serine, which is neutral and polar, with threonine, which is neutral and polar, at codon 313 of the SOS1 protein (p.Ser313Thr). This variant is not present in population databases (gnomAD no frequency). This variant has not been reported in the literature in individuals affected with SOS1-related conditions. Advanced modeling of protein sequence and biophysical properties (such as structural, functional, and spatial information, amino acid conservation, physicochemical variation, residue mobility, and thermodynamic stability) performed at Invitae indicates that this missense variant is not expected to disrupt SOS1 protein function with a negative predictive value of 95%. In summary, the available evidence is currently insufficient to determine the role of this variant in disease. Therefore, it has been classified as a Variant of Uncertain Significance.